The following is an entry in ClinVar:

ClinVar aggregate classification (germline): Uncertain significance. Review status: criteria provided, multiple submitters, no conflicts (2 of 4 stars). 2 submissions from 2 submitters: Uncertain significance (2). Last evaluated 2026-01-19.

Submissions (2):

Labcorp Genetics (formerly Invitae), Labcorp
Classification: Uncertain significance. Last evaluated: 2026-01-19. Review status: criteria provided, single submitter. Criteria: Invitae Variant Classification Sherloc (09022015). Collection method: clinical testing. Allele origin: germline.
Comment: This sequence change replaces glutamic acid, which is acidic and polar, with lysine, which is basic and polar, at codon 251 of the EMC1 protein (p.Glu251Lys). This variant is not present in population databases (gnomAD no frequency). This variant has not been reported in the literature in individuals affected with EMC1-related conditions. ClinVar contains an entry for this variant (Variation ID: 1041581). Invitae Evidence Modeling of protein sequence and biophysical properties (such as structural, functional, and spatial information, amino acid conservation, physicochemical variation, residue mobility, and thermodynamic stability) indicates that this missense variant is not expected to disrupt EMC1 protein function with a negative predictive value of 80%. In summary, the available evidence is currently insufficient to determine the role of this variant in disease. Therefore, it has been classified as a Variant of Uncertain Significance.

GeneDx
Classification: Uncertain significance. Last evaluated: 2025-04-26. Review status: criteria provided, single submitter. Criteria: GeneDx Variant Classification Process June 2021. Collection method: clinical testing. Allele origin: germline. Affected: yes.
Comment: Not observed at significant frequency in large population cohorts (gnomAD); In silico analysis indicates that this missense variant does not alter protein structure/function; Has not been previously published as pathogenic or benign to our knowledge

NM_015047.3(EMC1):c.751G>A (p.Glu251Lys)

Genes: EMC1 (ER membrane protein complex subunit 1; minus strand), EMC1-AS1 (EMC1 antisense RNA 1; plus strand). Cytogenetic location: 1p36.13.
Variant type: single nucleotide variant.
Coding change: c.751G>A on transcript NM_015047.3 (MANE Select); coding-DNA position 751, G replaced by A.
Protein change: p.Glu251Lys; replaces glutamic acid 251 with lysine.
Molecular consequence: missense variant. On other transcripts: non-coding transcript variant (1).
Genome position (GRCh38, 1-based): chr1:19,240,332, C>T on the plus strand (G>A on the coding strand, the complement: EMC1 is on the minus strand). VCF-style: chr1-19240332-C-T. GRCh37 (hg19) VCF-style: chr1-19566826-C-T.
Other names: c.751G>A, p.Glu251Lys (NM_001271427.2, NM_001271428.2, NM_001375820.1 and 1 more transcripts); c.685G>A, p.Glu229Lys (NM_001271429.2); c.751G>A (NM_015047.2); short protein forms E229K, E251K.
Identifiers: ClinVar variation 1041581 (VCV001041581.9), dbSNP rs2093597394, ClinGen allele CA338768852.
Genomic context (GRCh38, chr1:19,240,332, plus strand): 5'-AGAAGAAGCAGTGGCAGCCTCTCACCTGCAGTGGGATCTGTCTCAACTCCCATTCCGTCT[C>T]CAGAGCCAAAGTTTGGAGGGAACGTGAGCTCGGGTCAGGACACACCAGGACAGCCTCATC-3'
Protein context (NP_055862.1, residues 241-261): SSRSLQTLAL[Glu251Lys]TEWELRQIPL